The following is an entry in ClinVar:

NM_000264.5(PTCH1):c.1322G>A (p.Arg441His)

Gene: PTCH1 (patched 1; minus strand). Cytogenetic location: 9q22.32.
Variant type: single nucleotide variant.
Coding change: c.1322G>A on transcript NM_000264.5 (MANE Select); coding-DNA position 1322, G replaced by A.
Protein change: p.Arg441His; replaces arginine 441 with histidine.
Molecular consequence: missense variant. On other transcripts: non-coding transcript variant (1).
Genome position (GRCh38, 1-based): chr9:95,478,080, C>T on the plus strand (G>A on the coding strand, the complement: PTCH1 is on the minus strand). VCF-style: chr9-95478080-C-T. GRCh37 (hg19) VCF-style: chr9-98240362-C-T.
Other names: c.1124G>A, p.Arg375His (NM_001083602.3); c.1319G>A, p.Arg440His (NM_001083603.3); c.869G>A, p.Arg290His (NM_001083604.3, NM_001083605.3, NM_001083606.3 and 1 more transcripts); c.1322G>A, p.Arg441His (NM_001354918.2); short protein forms R290H, R375H, R441H, R440H.
Identifiers: ClinVar variation 522883 (VCV000522883.19), dbSNP rs767273237, ClinGen allele CA5138702.

ClinVar aggregate classification (germline): Conflicting classifications of pathogenicity. Review status: criteria provided, conflicting classifications (1 of 4 stars). 5 submissions from 5 submitters: Pathogenic (1); Uncertain significance (3); Likely benign (1). Last evaluated 2026-01-25.

Conditions:
Hereditary cancer-predisposing syndrome. Also called: Hereditary neoplastic syndrome; Tumor predisposition; Neoplastic Syndromes, Hereditary; Hereditary Cancer Syndrome. Identifiers: Orphanet 140162, MedGen C0027672, MeSH D009386, MONDO:0015356.
Gorlin syndrome. Also called: Nevoid Basal Cell Carcinoma Syndrome; Basal cell nevus syndrome. Identifiers: Orphanet 377, MedGen C0004779, MONDO:0007187.

Allele frequency attached by ClinVar (database versions not stated): ExAC 0.00001; gnomAD 0.00001; TOPMed 0.00001; gnomAD exomes 0.00002.
gnomAD v4.1: 21 of 1,614,048 alleles (0.0013%); highest among the groups gnomAD compares: Admixed American, 0.005%; no homozygotes.

Submissions (5):

Labcorp Genetics (formerly Invitae), Labcorp
Classification: Likely benign for Gorlin syndrome. Last evaluated: 2026-01-25. Review status: criteria provided, single submitter. Criteria: Invitae Variant Classification Sherloc (09022015). Collection method: clinical testing. Allele origin: germline.

Ambry Genetics
Classification: Uncertain significance for Hereditary cancer-predisposing syndrome. Last evaluated: 2024-01-29. Review status: criteria provided, single submitter. Criteria: Ambry Variant Classification Scheme 2023. Collection method: clinical testing. Allele origin: germline.
Comment: The p.R441H variant (also known as c.1322G>A), located in coding exon 9 of the PTCH1 gene, results from a G to A substitution at nucleotide position 1322. The arginine at codon 441 is replaced by histidine, an amino acid with highly similar properties. This amino acid position is highly conserved in available vertebrate species. In addition, this alteration is predicted to be deleterious by in silico analysis. Based on the available evidence, the clinical significance of this alteration remains unclear.

GeneDx
Classification: Uncertain significance. Last evaluated: 2023-10-05. Review status: criteria provided, single submitter. Criteria: GeneDx Variant Classification Process June 2021. Collection method: clinical testing. Allele origin: germline. Affected: yes.
Comment: In silico analysis supports that this missense variant has a deleterious effect on protein structure/function; Has not been previously published as pathogenic or benign to our knowledge; This variant is associated with the following publications: (PMID: 11369205, 35725469)

Blueprint Genetics
Classification: Uncertain significance. Last evaluated: 2022-12-15. Review status: criteria provided, single submitter. Criteria: ACMG Guidelines, 2015. Collection method: clinical testing. Allele origin: germline.

Genomic Research Center, Shahid Beheshti University of Medical Sciences
Classification: Pathogenic for Gorlin syndrome. Last evaluated: 2017-12-18. Review status: criteria provided, single submitter. Criteria: ACMG Guidelines, 2015. Collection method: clinical testing. Allele origin: inherited. Affected: yes.